The following is an entry in ClinVar:

NM_001379451.1(BCORL1):c.3972G>C (p.Glu1324Asp)

Gene: BCORL1 (BCL6 corepressor like 1; plus strand). Cytogenetic location: Xq26.1.
Variant type: single nucleotide variant.
Coding change: c.3972G>C on transcript NM_001379451.1 (MANE Select); coding-DNA position 3972, G replaced by C.
Protein change: p.Glu1324Asp; replaces glutamic acid 1324 with aspartic acid.
Molecular consequence: missense variant. On other transcripts: intron variant (4).
Genome position (GRCh38, 1-based): chrX:130,025,273, G>C. VCF-style: chrX-130025273-G-C. GRCh37 (hg19) VCF-style: chrX-129159248-G-C.
Other names: c.3972G>C, p.Glu1324Asp (NM_001184772.3, NM_001379450.1, NM_001441326.1 and 3 more transcripts); c.3688+2296G>C (NM_001441329.1, NM_001441331.1, NM_001441330.1 and 1 more transcripts); short protein forms E1324D.
Identifiers: ClinVar variation 4540153 (VCV004540153.1).
Genomic context (GRCh38, chrX:130,025,273, plus strand): 5'-GACAGAGGCTGCCCGGCAAATGTGGGACACCAATGAGGAGGAGGAGGAAGAAGAGGAGGA[G>C]GGCCTGCTGAAGAGGAAGAAACGAAGACGGCAGAAGAGCCGAAAATATCAGACTGGGGAG-3'
Protein context (NP_001366380.1, residues 1314-1334): TNEEEEEEEE[Glu1324Asp]GLLKRKKRRR

ClinVar aggregate classification (germline): Uncertain significance (1 of 4 stars; one submission).

gnomAD v4.1: 2 of 1,208,156 alleles (0.00017%); highest among the groups gnomAD compares: Non-Finnish European, 0.00022%; no homozygotes.

Submission:

GeneDx
Classification: Uncertain significance. Last evaluated: 2025-06-23. Review status: criteria provided, single submitter. Criteria: GeneDx Variant Classification Process June 2021. Collection method: clinical testing. Allele origin: germline. Affected: yes.
Comment: Not observed at significant frequency in large population cohorts (gnomAD); In silico analysis suggests that this missense variant does not alter protein structure/function; Has not been previously published as pathogenic or benign to our knowledge